The following is an entry in ClinVar:

NM_133497.4(KCNV2):c.*308T>G

Gene: KCNV2 (potassium voltage-gated channel modifier subfamily V member 2; plus strand). Cytogenetic location: 9p24.2.
Variant type: single nucleotide variant.
Coding change: c.*308T>G on transcript NM_133497.4 (MANE Select); 308 bases downstream of the stop codon, T replaced by G.
Molecular consequence: 3 prime UTR variant.
Genome position (GRCh38, 1-based): chr9:2,730,035, T>G. VCF-style: chr9-2730035-T-G. GRCh37 (hg19) VCF-style: chr9-2730035-T-G.
Identifiers: ClinVar variation 366483 (VCV000366483.5), dbSNP rs60723920, ClinGen allele CA10627183.

ClinVar aggregate classification (germline): Likely benign (1 of 4 stars; one submission).

Conditions:
Cone dystrophy with supernormal rod response (CDSRR). Also called: CONE DYSTROPHY WITH SUPERNORMAL ROD RESPONSES. Identifiers: Orphanet 209932, MedGen C1835897, MONDO:0012475, OMIM 610356.

Allele frequency attached by ClinVar (database versions not stated): gnomAD exomes 0.00257; gnomAD 0.01796 and 0.01938; TOPMed 0.02044; 1000 Genomes Project 0.02177; 1000 Genomes Project 30x 0.02311.
gnomAD v4.1: 3,076 of 296,820 alleles (1%); highest among the groups gnomAD compares: African/African-American, 6.3%; 82 homozygotes.

Submission:

Illumina Laboratory Services, Illumina
Classification: Likely benign for Cone dystrophy with supernormal rod response. Last evaluated: 2017-04-28. Review status: criteria provided, single submitter. Criteria: ICSL Variant Classification Criteria 13 December 2019. Collection method: clinical testing. Allele origin: germline.
Comment: This variant was observed as part of a predisposition screen in an ostensibly healthy population. A literature search was performed for the gene, cDNA change, and amino acid change (where applicable). No publications were found based on this search. Allele frequency data from public databases allowed determination this variant is unlikely to cause disease. Therefore, this variant is classified as likely benign.